The following is an entry in ClinVar:

NM_001614.5(ACTG1):c.-28C>T

Gene: ACTG1 (actin gamma 1; minus strand). Cytogenetic location: 17q25.3.
Variant type: single nucleotide variant.
Coding change: c.-28C>T on transcript NM_001614.5 (MANE Select); 28 bases upstream of the start codon, C replaced by T.
Molecular consequence: 5 prime UTR variant. On other transcripts: non-coding transcript variant (1).
Genome position (GRCh38, 1-based): chr17:81,512,755, G>A on the plus strand (C>T on the coding strand, the complement: ACTG1 is on the minus strand). VCF-style: chr17-81512755-G-A. GRCh37 (hg19) VCF-style: chr17-79479781-G-A.
Other names: c.-147C>T (NM_001199954.3).
Identifiers: ClinVar variation 392675 (VCV000392675.1), dbSNP rs782317187, ClinGen allele CA8836498.

ClinVar aggregate classification (germline): Likely benign (1 of 4 stars; one submission).

Allele frequency attached by ClinVar (database versions not stated): TOPMed 0.00013; gnomAD exomes 0.00020; ExAC 0.00035.
gnomAD v4.1: 31 of 414,124 alleles (0.0075%); highest among the groups gnomAD compares: Admixed American, 0.051%; no homozygotes.

Submission:

GeneDx
Classification: Likely benign. Last evaluated: 2017-01-05. Review status: criteria provided, single submitter. Criteria: GeneDx Variant Classification (06012015). Collection method: clinical testing. Allele origin: germline. Affected: yes.
Comment: This variant is considered likely benign or benign based on one or more of the following criteria: it is a conservative change, it occurs at a poorly conserved position in the protein, it is predicted to be benign by multiple in silico algorithms, and/or has population frequency not consistent with disease.